The following is an entry in ClinVar:

NM_001130438.3(SPTAN1):c.656A>G (p.Gln219Arg)

Gene: SPTAN1 (spectrin alpha, non-erythrocytic 1; plus strand). Cytogenetic location: 9q34.11.
Variant type: single nucleotide variant.
Coding change: c.656A>G on transcript NM_001130438.3 (MANE Select); coding-DNA position 656, A replaced by G.
Protein change: p.Gln219Arg; replaces glutamine 219 with arginine.
Molecular consequence: missense variant.
Genome position (GRCh38, 1-based): chr9:128,576,827, A>G. VCF-style: chr9-128576827-A-G. GRCh37 (hg19) VCF-style: chr9-131339106-A-G.
Other names: c.656A>G, p.Gln219Arg (NM_001195532.2, NM_001363759.2, NM_001363765.2 and 5 more transcripts); c.692A>G, p.Gln231Arg (NM_001375312.2, NM_001375318.1); short protein forms Q219R, Q231R.
Identifiers: ClinVar variation 1005720 (VCV001005720.9), dbSNP rs1851359623, ClinGen allele CA375048010.
Genomic context (GRCh38, chr9:128,576,827, plus strand): 5'-TAGTTGGAGGAGCCAGAAGTTGTGTACAAATCCAGTCTCTTCTCTTCCTTGTTTAGGAGC[A>G]GCACCCTGAGGAGGAACTGATCAAGACTAAGCAGGATGAAGTCAATGCAGCCTGGCAGCG-3'
Protein context (NP_001123910.1, residues 209-229): NQFAAKLIQE[Gln219Arg]HPEEELIKTK

ClinVar aggregate classification (germline): Likely pathogenic (1 of 4 stars; one submission).

Conditions:
Early-infantile DEE. Also called: Ohtahara syndrome; Early infantile epileptic encephalopathy with suppression bursts; Early infantile epileptic encephalopathy. Identifiers: Orphanet 1934, MedGen C0393706, MONDO:0800491.

Submission:

Labcorp Genetics (formerly Invitae), Labcorp
Classification: Likely pathogenic for Early-infantile DEE. Last evaluated: 2022-10-03. Review status: criteria provided, single submitter. Criteria: Invitae Variant Classification Sherloc (09022015). Collection method: clinical testing. Allele origin: germline.
Comment: This sequence change replaces glutamine, which is neutral and polar, with arginine, which is basic and polar, at codon 219 of the SPTAN1 protein (p.Gln219Arg). This variant is not present in population databases (gnomAD no frequency). This missense change has been observed in individual(s) with clinical features of SPTAN1-related conditions (Invitae). In at least one individual the variant was observed to be de novo. ClinVar contains an entry for this variant (Variation ID: 1005720). Algorithms developed to predict the effect of missense changes on protein structure and function (SIFT, PolyPhen-2, Align-GVGD) all suggest that this variant is likely to be tolerated. In summary, the currently available evidence indicates that the variant is pathogenic, but additional data are needed to prove that conclusively. Therefore, this variant has been classified as Likely Pathogenic.